The following is an entry in ClinVar:

ClinVar aggregate classification (germline): Uncertain significance (1 of 4 stars; one submission).

Allele frequency attached by ClinVar (database versions not stated): gnomAD exomes below 0.00001.
gnomAD v4.1: 2 of 1,614,088 alleles (0.00012%); highest among the groups gnomAD compares: Non-Finnish European, 0.00017%; no homozygotes.

Submission:

Labcorp Genetics (formerly Invitae), Labcorp
Classification: Uncertain significance. Last evaluated: 2025-02-20. Review status: criteria provided, single submitter. Criteria: Invitae Variant Classification Sherloc (09022015). Collection method: clinical testing. Allele origin: germline.
Comment: This sequence change replaces threonine, which is neutral and polar, with alanine, which is neutral and non-polar, at codon 2987 of the KMT2A protein (p.Thr2987Ala). This variant is not present in population databases (gnomAD no frequency). This variant has not been reported in the literature in individuals affected with KMT2A-related conditions. ClinVar contains an entry for this variant (Variation ID: 1520013). Invitae Evidence Modeling of protein sequence and biophysical properties (such as structural, functional, and spatial information, amino acid conservation, physicochemical variation, residue mobility, and thermodynamic stability) indicates that this missense variant is not expected to disrupt KMT2A protein function with a negative predictive value of 95%. In summary, the available evidence is currently insufficient to determine the role of this variant in disease. Therefore, it has been classified as a Variant of Uncertain Significance.

NM_001197104.2(KMT2A):c.8959A>G (p.Thr2987Ala)

Gene: KMT2A (lysine methyltransferase 2A; plus strand). Cytogenetic location: 11q23.3.
Variant type: single nucleotide variant.
Coding change: c.8959A>G on transcript NM_001197104.2 (MANE Select); coding-DNA position 8959, A replaced by G.
Protein change: p.Thr2987Ala; replaces threonine 2987 with alanine.
Molecular consequence: missense variant.
Genome position (GRCh38, 1-based): chr11:118,504,851, A>G. VCF-style: chr11-118504851-A-G. GRCh37 (hg19) VCF-style: chr11-118375566-A-G.
Other names: c.8950A>G, p.Thr2984Ala (NM_005933.4); short protein forms T2987A, T2984A.
Identifiers: ClinVar variation 1520013 (VCV001520013.8), dbSNP rs2134401970, ClinGen allele CA382817344.